The following is an entry in ClinVar:

NM_018116.4(MSTO1):c.51C>G (p.Ala17=)

Gene: MSTO1 (misato mitochondrial distribution and morphology regulator 1; plus strand). Cytogenetic location: 1q22.
Variant type: single nucleotide variant.
Coding change: c.51C>G on transcript NM_018116.4 (MANE Select); coding-DNA position 51, C replaced by G.
Protein change: p.Ala17=; no amino-acid change (alanine 17 retained).
Molecular consequence: synonymous variant. On other transcripts: 5 prime UTR variant (14), non-coding transcript variant (6).
Genome position (GRCh38, 1-based): chr1:155,610,299, C>G. VCF-style: chr1-155610299-C-G. GRCh37 (hg19) VCF-style: chr1-155580090-C-G.
Other names: c.51C>G, p.Ala17= (NM_001350773.1, NM_001350774.1, NM_001350775.1 and 3 more transcripts); c.-237C>G (NM_001350776.1); c.-506C>G (NM_001350777.1); c.-570C>G (NM_001350778.1); c.-511C>G (NM_001350779.1); c.-622C>G (NM_001350780.1); c.-1023C>G (NM_001350781.1); c.-548C>G (NM_001350782.1, NM_001350783.1, NM_001350786.1 and 1 more transcripts); and 4 more.
Identifiers: ClinVar variation 2639430 (VCV002639430.24), dbSNP rs757329280, ClinGen allele CA1147815.

ClinVar aggregate classification (germline): Likely benign (1 of 4 stars; one submission).

Allele frequency attached by ClinVar (database versions not stated): ExAC 0.00013.
gnomAD v4.1: 30 of 1,101,166 alleles (0.0027%); highest among the groups gnomAD compares: Non-Finnish European, 0.0035%; no homozygotes.

Submission:

CeGaT Center for Human Genetics Tuebingen
Classification: Likely benign. Last evaluated: 2024-04-01. Review status: criteria provided, single submitter. Criteria: CeGaT Center For Human Genetics Tuebingen Variant Classification Criteria Version 2. Collection method: clinical testing. Allele origin: germline. Affected: yes. Observed: 1 variant allele.
Comment: MSTO1: BP4, BP7